The following is an entry in ClinVar:

NM_015046.7(SETX):c.4197A>G (p.Thr1399=)

Gene: SETX (senataxin; minus strand). Cytogenetic location: 9q34.13.
Variant type: single nucleotide variant.
Coding change: c.4197A>G on transcript NM_015046.7 (MANE Select); coding-DNA position 4197, A replaced by G.
Protein change: p.Thr1399=; no amino-acid change (threonine 1399 retained).
Molecular consequence: synonymous variant.
Genome position (GRCh38, 1-based): chr9:132,327,401, T>C on the plus strand (A>G on the coding strand, the complement: SETX is on the minus strand). VCF-style: chr9-132327401-T-C. GRCh37 (hg19) VCF-style: chr9-135202788-T-C.
Other names: p.Thr1399=; c.4197A>G, p.Thr1399= (NM_001351527.2, NM_001351528.2).
Identifiers: ClinVar variation 468507 (VCV000468507.62), dbSNP rs148078248, ClinGen allele CA5297250.

ClinVar aggregate classification (germline): Conflicting classifications of pathogenicity. Review status: criteria provided, conflicting classifications (1 of 4 stars). 11 submissions from 10 submitters: Uncertain significance (1); Likely benign (7). 3 of the submissions do not count toward it. Last evaluated 2025-11-09.

Conditions:
Amyotrophic lateral sclerosis type 4 (ALS4). Also called: AMYOTROPHIC LATERAL SCLEROSIS 4, JUVENILE; NEURONOPATHY, DISTAL HEREDITARY MOTOR, WITH PYRAMIDAL FEATURES. Identifiers: Orphanet 357043, MedGen C1865409, MONDO:0011223, OMIM 602433.
Spinocerebellar ataxia, autosomal recessive, with axonal neuropathy 2 (SCAN2). Also called: Ataxia-ocular apraxia-2; Ataxia with Oculomotor Apraxia; Ataxia with Oculomotor Apraxia Type 2; ATAXIA-OCULOMOTOR APRAXIA 2. Identifiers: Orphanet 64753, MedGen C1853761, MONDO:0018996, OMIM 606002.
Inborn genetic diseases. Identifiers: MedGen C0950123, MeSH D030342.

Allele frequency attached by ClinVar (database versions not stated): 1000 Genomes Project 30x 0.00016; TOPMed 0.00046; gnomAD exomes 0.00048 and 0.00066; gnomAD 0.00052; ExAC 0.00063; ESP Exome Variant Server 0.00069.
gnomAD v4.1: 1,028 of 1,614,224 alleles (0.064%); highest among the groups gnomAD compares: Non-Finnish European, 0.08%; 2 homozygotes.

Submissions (11):

Labcorp Genetics (formerly Invitae), Labcorp
Classification: Likely benign for Amyotrophic lateral sclerosis type 4; Spinocerebellar ataxia, autosomal recessive, with axonal neuropathy 2. Last evaluated: 2025-11-09. Review status: criteria provided, single submitter. Criteria: Invitae Variant Classification Sherloc (09022015). Collection method: clinical testing. Allele origin: germline.

CeGaT Center for Human Genetics Tuebingen
Classification: Likely benign. Last evaluated: 2025-06-01. Review status: criteria provided, single submitter. Criteria: CeGaT Center For Human Genetics Tuebingen Variant Classification Criteria Version 2. Collection method: clinical testing. Allele origin: germline. Affected: yes. Observed: 5 variant alleles.
Comment: SETX: BP4, BP7

Mayo Clinic Laboratories, Mayo Clinic
Classification: Likely benign. Last evaluated: 2025-01-29. Review status: criteria provided, single submitter. Criteria: ACMG Guidelines, 2015. Collection method: clinical testing. Allele origin: germline. Observed: 7 variant alleles.
Comment: BP4, BP7

Blueprint Genetics
Classification: Likely benign. Last evaluated: 2024-03-02. Review status: criteria provided, single submitter. Criteria: ACMG Guidelines, 2015. Collection method: clinical testing. Allele origin: germline.

Women's Health and Genetics/Laboratory Corporation of America, LabCorp
Classification: Likely benign. Last evaluated: 2023-10-13. Review status: criteria provided, single submitter. Criteria: LabCorp Variant Classification Summary - May 2015. Collection method: clinical testing. Allele origin: germline.

Ambry Genetics
Classification: Likely benign for Inborn genetic diseases. Last evaluated: 2019-07-11. Review status: criteria provided, single submitter. Criteria: Ambry Variant Classification Scheme 2023. Collection method: clinical testing. Allele origin: germline.

Illumina Laboratory Services, Illumina
Classification: Likely benign for Amyotrophic lateral sclerosis type 4. Last evaluated: 2018-01-12. Review status: criteria provided, single submitter. Criteria: ICSL Variant Classification Criteria 13 December 2019. Collection method: clinical testing. Allele origin: germline.
Comment: This variant was observed in the ICSL laboratory as part of a predisposition screen in an ostensibly healthy population. It had not been previously curated by ICSL or reported in the Human Gene Mutation Database (HGMD: prior to June 1st, 2018), and was therefore a candidate for classification through an automated scoring system. Utilizing variant allele frequency, disease prevalence and penetrance estimates, and inheritance mode, an automated score was calculated to assess if this variant is too frequent to cause the disease. Based on the score and internal cut-off values, a variant classified as likely benign is not then subjected to further curation. The score for this variant resulted in a classification of likely benign for this disease.

Illumina Laboratory Services, Illumina
Classification: Uncertain significance for Spinocerebellar ataxia, autosomal recessive, with axonal neuropathy 2. Last evaluated: 2018-01-12. Review status: criteria provided, single submitter. Criteria: ICSL Variant Classification Criteria 13 December 2019. Collection method: clinical testing. Allele origin: germline.

Clinical Genetics DNA and cytogenetics Diagnostics Lab, Erasmus MC, Erasmus Medical Center
Classification: Likely benign. Review status: no assertion criteria provided. Collection method: clinical testing. Allele origin: germline. Affected: yes. Study: VKGL Data-share Consensus. Not counted in ClinVar's aggregate classification.

Clinical Genetics, Academic Medical Center
Classification: Likely benign. Review status: no assertion criteria provided. Collection method: clinical testing. Allele origin: germline. Affected: yes. Study: VKGL Data-share Consensus. Not counted in ClinVar's aggregate classification.

Genome Diagnostics Laboratory, Amsterdam University Medical Center
Classification: Likely benign. Review status: no assertion criteria provided. Collection method: clinical testing. Allele origin: germline. Affected: yes. Study: VKGL Data-share Consensus. Not counted in ClinVar's aggregate classification.